The following is an entry in ClinVar:

NM_018706.7(DHTKD1):c.1910_1911delinsGC (p.Pro637Arg)

Gene: DHTKD1 (dehydrogenase E1 and transketolase domain containing 1; plus strand). Cytogenetic location: 10p14.
Variant type: Indel.
Coding change: c.1910_1911delinsGC on transcript NM_018706.7 (MANE Select); coding-DNA positions 1910 to 1911, CA replaced by GC.
Protein change: p.Pro637Arg; replaces proline 637 with arginine.
Molecular consequence: missense variant.
Genome position (GRCh38, 1-based): chr10:12,106,259-12,106,260, CA replaced by GC. VCF-style: chr10-12106259-CA-GC. GRCh37 (hg19) VCF-style: chr10-12148258-CA-GC.
Other names: short protein forms P637R.
Identifiers: ClinVar variation 1439688 (VCV001439688.6), dbSNP rs2131619564, ClinGen allele CA2573145000.

ClinVar aggregate classification (germline): Uncertain significance (1 of 4 stars; one submission).

Conditions:
2-aminoadipic 2-oxoadipic aciduria (AAKAD). Also called: ALPHA-AMINOADIPIC AND ALPHA-KETOADIPIC ACIDURIA; Aminoadipic aciduria. Identifiers: Orphanet 79154, MedGen C1859817, MONDO:0008774, OMIM 204750.

Submission:

Labcorp Genetics (formerly Invitae), Labcorp
Classification: Uncertain significance for 2-aminoadipic 2-oxoadipic aciduria. Last evaluated: 2025-11-23. Review status: criteria provided, single submitter. Criteria: Invitae Variant Classification Sherloc (09022015). Collection method: clinical testing. Allele origin: germline.
Comment: This sequence change replaces proline, which is neutral and non-polar, with arginine, which is basic and polar, at codon 637 of the DHTKD1 protein (p.Pro637Arg). This variant is present in population databases (no rsID available, gnomAD 0.003%). This variant has not been reported in the literature in individuals affected with DHTKD1-related conditions. ClinVar contains an entry for this variant (Variation ID: 4011342). Experimental studies and prediction algorithms are not available or were not evaluated, and the functional significance of this variant is currently unknown. In summary, the available evidence is currently insufficient to determine the role of this variant in disease. Therefore, it has been classified as a Variant of Uncertain Significance.